The following is an entry in ClinVar:

ClinVar aggregate classification (germline): Uncertain significance (1 of 4 stars; one submission).

Submission:

Labcorp Genetics (formerly Invitae), Labcorp
Classification: Uncertain significance. Last evaluated: 2021-12-03. Review status: criteria provided, single submitter. Criteria: Invitae Variant Classification Sherloc (09022015). Collection method: clinical testing. Allele origin: germline.
Comment: This variant has not been reported in the literature in individuals affected with NDUFV2-related conditions. In summary, the available evidence is currently insufficient to determine the role of this variant in disease. Therefore, it has been classified as a Variant of Uncertain Significance. Experimental studies and prediction algorithms are not available or were not evaluated, and the functional significance of this variant is currently unknown. This variant is a gross deletion of the genomic region encompassing exon(s) 4 of the NDUFV2 gene. This variant would be expected to be in-frame, preserving the integrity of the reading frame.

NC_000018.9:g.(?_9119453)_(9119738_?)del

Gene: NDUFV2 (NADH:ubiquinone oxidoreductase core subunit V2; plus strand). Cytogenetic location: 18p11.22.
Variant type: Deletion.
Identifiers: ClinVar variation 1412277 (VCV001412277.7).